The following is an entry in ClinVar:

NM_201384.3(PLEC):c.13243G>A (p.Gly4415Ser)

Gene: PLEC (plectin; minus strand). Cytogenetic location: 8q24.3.
Variant type: single nucleotide variant.
Coding change: c.13243G>A on transcript NM_201384.3 (MANE Select); coding-DNA position 13243, G replaced by A.
Protein change: p.Gly4415Ser; replaces glycine 4415 with serine.
Molecular consequence: missense variant.
Genome position (GRCh38, 1-based): chr8:143,916,578, C>T on the plus strand (G>A on the coding strand, the complement: PLEC is on the minus strand). VCF-style: chr8-143916578-C-T. GRCh37 (hg19) VCF-style: chr8-144990746-C-T.
Other names: c.13324G>A, p.Gly4442Ser (NM_000445.5); c.13201G>A, p.Gly4401Ser (NM_201378.4); c.13177G>A, p.Gly4393Ser (NM_201379.3); c.13654G>A, p.Gly4552Ser (NM_201380.4); c.13147G>A, p.Gly4383Ser (NM_201381.3); c.13243G>A, p.Gly4415Ser (NM_201382.4); c.13255G>A, p.Gly4419Ser (NM_201383.3); short protein forms G4383S, G4401S, G4442S, G4393S, G4419S, G4415S, G4552S.
Identifiers: ClinVar variation 582099 (VCV000582099.14), dbSNP rs201031796, ClinGen allele CA4923871.
Genomic context (GRCh38, chr8:143,916,578, plus strand): 5'-GGTACTTGGAGTAGGCGCCCACGTCACGCAGCTTCTGTGCGGTGCGGGCGTCCACCGTGC[C>T]GCGCTGCAGGGCCTCGTCCAGGGGCACGCGGCCCGGCGTGTCGGGCTCGATCAAGCCGCC-3'
Protein context (NP_958786.1, residues 4405-4425): RVPLDEALQR[Gly4415Ser]TVDARTAQKL

ClinVar aggregate classification (germline): Uncertain significance. Review status: criteria provided, multiple submitters, no conflicts (2 of 4 stars). 3 submissions from 3 submitters: Uncertain significance (3). Last evaluated 2026-04-06.

Conditions:
PLEC-related disorder. Also called: PLEC-related disorders; PLEC-related condition.
Epidermolysis bullosa simplex 5C, with pyloric atresia (EBS5C). Also called: PLEC-Related Epidermolysis Bullosa with Pyloric Atresia; PLEC1-Related Epidermolysis Bullosa with Pyloric Atresia; Epidermolysis bullosa simplex with pyloric atresia. Identifiers: Orphanet 158684, MedGen C2677349, MONDO:0012807, OMIM 612138.
Epidermolysis bullosa simplex, Ogna type (EBS5A). Also called: Pidermolysis bullosa simplex 5A, Ogna type; EPIDERMOLYSIS BULLOSA SIMPLEX 5A, OGNA TYPE. Identifiers: Orphanet 79401, MedGen C0432317, MONDO:0007555, OMIM 131950.
Epidermolysis bullosa simplex 5B, with muscular dystrophy (EBS5B). Also called: Epidermolysis bullosa simplex with muscular dystrophy; EPIDERMOLYSIS BULLOSA SIMPLEX AND LIMB-GIRDLE MUSCULAR DYSTROPHY. Identifiers: Orphanet 257, MedGen C2931072, MONDO:0009181, OMIM 226670.
Epidermolysis bullosa simplex with nail dystrophy (EBS5D). Identifiers: MedGen C4225309, MONDO:0014661, OMIM 616487.
Autosomal recessive limb-girdle muscular dystrophy type 2Q (LGMDR17). Also called: MUSCULAR DYSTROPHY, LIMB-GIRDLE, AUTOSOMAL RECESSIVE 17. Identifiers: Orphanet 254361, MedGen C3150989, MONDO:0013390, OMIM 613723.

Allele frequency attached by ClinVar (database versions not stated): gnomAD exomes 0.00003 and 0.00005; ExAC 0.00005; gnomAD 0.00007 and 0.00009; TOPMed 0.00011; 1000 Genomes Project 0.00020; 1000 Genomes Project 30x 0.00078.
gnomAD v4.1: 58 of 1,611,496 alleles (0.0036%); highest among the groups gnomAD compares: African/African-American, 0.035%; no homozygotes.

Submissions (3):

PreventionGenetics, part of Exact Sciences
Classification: Uncertain significance for PLEC-related condition. Last evaluated: 2026-04-06. Review status: criteria provided, single submitter. Criteria: ACMG Guidelines, 2015. Collection method: clinical testing. Allele origin: germline.
Comment: The PLEC c.13324G>A variant is predicted to result in the amino acid substitution p.Gly4442Ser. To our knowledge, this variant has not been reported in the literature. This variant is reported in 0.017% of alleles in individuals of African descent in gnomAD. Although we suspect that this variant may be benign, at this time, the clinical significance of this variant is uncertain due to the absence of conclusive functional and genetic evidence.

Labcorp Genetics (formerly Invitae), Labcorp
Classification: Uncertain significance for Autosomal recessive limb-girdle muscular dystrophy type 2Q; Epidermolysis bullosa simplex, Ogna type; Epidermolysis bullosa simplex with nail dystrophy; Epidermolysis bullosa simplex 5C, with pyloric atresia; Epidermolysis bullosa simplex 5B, with muscular dystrophy. Last evaluated: 2024-09-03. Review status: criteria provided, single submitter. Criteria: Invitae Variant Classification Sherloc (09022015). Collection method: clinical testing. Allele origin: germline.
Comment: This sequence change replaces glycine, which is neutral and non-polar, with serine, which is neutral and polar, at codon 4442 of the PLEC protein (p.Gly4442Ser). The frequency data for this variant in the population databases is considered unreliable, as metrics indicate poor data quality at this position in the gnomAD database. This variant has not been reported in the literature in individuals affected with PLEC-related conditions. ClinVar contains an entry for this variant (Variation ID: 582099). Invitae Evidence Modeling of protein sequence and biophysical properties (such as structural, functional, and spatial information, amino acid conservation, physicochemical variation, residue mobility, and thermodynamic stability) indicates that this missense variant is not expected to disrupt PLEC protein function with a negative predictive value of 80%. In summary, the available evidence is currently insufficient to determine the role of this variant in disease. Therefore, it has been classified as a Variant of Uncertain Significance.

Blueprint Genetics
Classification: Uncertain significance. Last evaluated: 2024-04-09. Review status: criteria provided, single submitter. Criteria: ACMG Guidelines, 2015. Collection method: clinical testing. Allele origin: germline.